The following is an entry in ClinVar:

NM_001286577.2(C2CD3):c.1217+1G>A

Gene: C2CD3 (C2 domain containing 3 centriole elongation regulator; minus strand). Cytogenetic location: 11q13.4.
Variant type: single nucleotide variant.
Coding change: c.1217+1G>A on transcript NM_001286577.2 (MANE Select); the canonical splice donor site of the intron after coding-DNA position 1217, G replaced by A.
Molecular consequence: splice donor variant.
Genome position (GRCh38, 1-based): chr11:74,132,843, C>T on the plus strand (G>A on the coding strand, the complement: C2CD3 is on the minus strand). VCF-style: chr11-74132843-C-T. GRCh37 (hg19) VCF-style: chr11-73843888-C-T.
Other names: c.1217+1G>A (NM_015531.6).
Identifiers: ClinVar variation 1471128 (VCV001471128.6), dbSNP rs777494204, ClinGen allele CA6183032.

ClinVar aggregate classification (germline): Likely pathogenic (1 of 4 stars; one submission).

Allele frequency attached by ClinVar (database versions not stated): gnomAD exomes 0.00001 and 0.00003; ExAC 0.00003.
gnomAD v4.1: 13 of 1,612,882 alleles (0.00081%); highest among the groups gnomAD compares: Admixed American, 0.005%; no homozygotes.

Submission:

Labcorp Genetics (formerly Invitae), Labcorp
Classification: Likely pathogenic. Last evaluated: 2024-08-01. Review status: criteria provided, single submitter. Criteria: Invitae Variant Classification Sherloc (09022015). Collection method: clinical testing. Allele origin: germline.
Comment: This sequence change affects a donor splice site in intron 7 of the C2CD3 gene. It is expected to disrupt RNA splicing. Variants that disrupt the donor or acceptor splice site typically lead to a loss of protein function (PMID: 16199547), and loss-of-function variants in C2CD3 are known to be pathogenic (PMID: 24997988, 26477546). This variant is present in population databases (rs777494204, gnomAD 0.01%). This variant has not been reported in the literature in individuals affected with C2CD3-related conditions. ClinVar contains an entry for this variant (Variation ID: 1471128). Algorithms developed to predict the effect of sequence changes on RNA splicing suggest that this variant may disrupt the consensus splice site. In summary, the currently available evidence indicates that the variant is pathogenic, but additional data are needed to prove that conclusively. Therefore, this variant has been classified as Likely Pathogenic.

Literature cited by the submitters: PubMed 16199547; PubMed 24997988; PubMed 26477546.